The following is an entry in ClinVar:

ClinVar aggregate classification (germline): Benign. Review status: criteria provided, multiple submitters, no conflicts (2 of 4 stars). 3 submissions from 3 submitters: Benign (3). Last evaluated 2021-05-12.

Conditions:
White sponge nevus 2 (WSN2). Identifiers: MedGen C4014321, MONDO:0014346, OMIM 615785.

Allele frequency attached by ClinVar (database versions not stated): TOPMed 0.05817; gnomAD 0.05973; 1000 Genomes Project 0.05990; 1000 Genomes Project 30x 0.06199.
gnomAD v4.1: 24,643 of 579,558 alleles (4.3%); highest among the groups gnomAD compares: African/African-American, 11%; 687 homozygotes.

Submissions (8):

GeneDx
Classification: Benign. Last evaluated: 2021-05-12. Review status: criteria provided, single submitter. Criteria: GeneDx Variant Classification Process June 2021. Collection method: clinical testing. Allele origin: germline. Affected: yes.

Illumina Laboratory Services, Illumina
Classification: Benign for White sponge nevus 2. Last evaluated: 2018-01-12. Review status: criteria provided, single submitter. Criteria: ICSL Variant Classification Criteria 13 December 2019. Collection method: clinical testing. Allele origin: germline.
Comment: This variant was observed in the ICSL laboratory as part of a predisposition screen in an ostensibly healthy population. It had not been previously curated by ICSL or reported in the Human Gene Mutation Database (HGMD: prior to June 1st, 2018), and was therefore a candidate for classification through an automated scoring system. Utilizing variant allele frequency, disease prevalence and penetrance estimates, and inheritance mode, an automated score was calculated to assess if this variant is too frequent to cause the disease. Based on the score and internal cut-off values, a variant classified as benign is not then subjected to further curation. The score for this variant resulted in a classification of benign for this disease.

Breakthrough Genomics
Classification: Benign. Review status: criteria provided, single submitter. Criteria: ACMG Guidelines, 2015. Collection method: not provided. Allele origin: germline. Inheritance: Autosomal dominant inheritance. Affected: yes.

Dr. Peter K. Rogan Lab, Western University
No classification provided (evidence only). Condition: Uterine corpus endometrial carcinoma. Review status: no classification provided. Collection method: in vitro. Allele origin: not applicable. Functional consequence: retained intron. Not counted in ClinVar's aggregate classification.

Dr. Peter K. Rogan Lab, Western University
No classification provided (evidence only). Condition: Cervical cancer. Review status: no classification provided. Collection method: in vitro. Allele origin: not applicable. Functional consequence: retained intron. Not counted in ClinVar's aggregate classification.

Dr. Peter K. Rogan Lab, Western University
No classification provided (evidence only). Condition: Ovarian serous cystadenocarcinoma. Review status: no classification provided. Collection method: in vitro. Allele origin: not applicable. Functional consequence: retained intron. Not counted in ClinVar's aggregate classification.

Dr. Peter K. Rogan Lab, Western University
No classification provided (evidence only). Condition: Ovarian serous cystadenocarcinoma. Review status: no classification provided. Collection method: in vitro. Allele origin: not applicable. Functional consequence: retained intron. Not counted in ClinVar's aggregate classification.

Dr. Peter K. Rogan Lab, Western University
No classification provided (evidence only). Condition: Malignant tumor of esophagus. Review status: no classification provided. Collection method: in vitro. Allele origin: not applicable. Functional consequence: retained intron. Not counted in ClinVar's aggregate classification.

NM_153490.3(KRT13):c.*170C>T

Gene: KRT13 (keratin 13; minus strand). Cytogenetic location: 17q21.2.
Variant type: single nucleotide variant.
Coding change: c.*170C>T on transcript NM_153490.3 (MANE Select); 170 bases downstream of the stop codon, C replaced by T.
Molecular consequence: 3 prime UTR variant.
Genome position (GRCh38, 1-based): chr17:41,501,086, G>A on the plus strand (C>T on the coding strand, the complement: KRT13 is on the minus strand). VCF-style: chr17-41501086-G-A. GRCh37 (hg19) VCF-style: chr17-39657338-G-A.
Other names: NC_000017.10:g.39657338G>A; c.*258C>T (NM_002274.4).
Identifiers: ClinVar variation 323071 (VCV000323071.8), dbSNP rs3169911, ClinGen allele CA10650072.